The following is an entry in ClinVar:

NM_000548.5(TSC2):c.1155T>C (p.His385=)

Gene: TSC2 (TSC complex subunit 2; plus strand). Cytogenetic location: 16p13.3.
Variant type: single nucleotide variant.
Coding change: c.1155T>C on transcript NM_000548.5 (MANE Select); coding-DNA position 1155, T replaced by C.
Protein change: p.His385=; no amino-acid change (histidine 385 retained).
Molecular consequence: synonymous variant.
Genome position (GRCh38, 1-based): chr16:2,061,906, T>C. VCF-style: chr16-2061906-T-C. GRCh37 (hg19) VCF-style: chr16-2111907-T-C.
Other names: c.1155T>C, p.His385= (NM_001077183.3, NM_001114382.3, NM_001363528.2 and 3 more transcripts); c.1044T>C, p.His348= (NM_001318827.2); c.1008T>C, p.His336= (NM_001318829.2); c.555T>C, p.His185= (NM_001318831.2); c.1188T>C, p.His396= (NM_001318832.2).
Identifiers: ClinVar variation 1143351 (VCV001143351.13), dbSNP rs2151154815, ClinGen allele CA492961775.
Genomic context (GRCh38, chr16:2,061,906, plus strand): 5'-TGTGTCATCGTGCCTGGTACTGCAGACCTTGGACAGCCCGGAGCTCAGGACCATCGTCCA[T>C]GACCTGTTGACCACGGTGGAGGAGCTGTGTGACCAGAACGAGTTCCACGGGTCTCAGGAG-3'
Protein context (NP_000539.2, residues 375-395): LDSPELRTIV[His385=]DLLTTVEELC

ClinVar aggregate classification (germline): Benign/Likely benign. Review status: criteria provided, multiple submitters, no conflicts (2 of 4 stars). 4 submissions from 4 submitters: Benign (1); Likely benign (3). Last evaluated 2025-05-13.

Conditions:
Hereditary cancer-predisposing syndrome. Also called: Hereditary neoplastic syndrome; Hereditary Cancer Syndrome; Tumor predisposition; Neoplastic Syndromes, Hereditary. Identifiers: Orphanet 140162, MedGen C0027672, MeSH D009386, MONDO:0015356.
Tuberous sclerosis 2 (TSC2). Identifiers: Orphanet 805, MedGen C1860707, MONDO:0013199, OMIM 613254.

Submissions (4):

Myriad Genetics, Inc.
Classification: Benign for Tuberous sclerosis 2. Last evaluated: 2025-05-13. Review status: criteria provided, single submitter. Criteria: Myriad Autosomal Dominant, Autosomal Recessive and X-Linked Classification Criteria (2023). Collection method: clinical testing. Allele origin: unknown.
Comment: This variant is considered benign. This variant is a silent/synonymous amino acid change and it is not expected to impact splicing.

Labcorp Genetics (formerly Invitae), Labcorp
Classification: Likely benign for Tuberous sclerosis 2. Last evaluated: 2024-07-18. Review status: criteria provided, single submitter. Criteria: Invitae Variant Classification Sherloc (09022015). Collection method: clinical testing. Allele origin: germline.

Blueprint Genetics
Classification: Likely benign. Last evaluated: 2022-07-17. Review status: criteria provided, single submitter. Criteria: ACMG Guidelines, 2015. Collection method: clinical testing. Allele origin: germline.

Ambry Genetics
Classification: Likely benign for Hereditary cancer-predisposing syndrome. Last evaluated: 2021-04-07. Review status: criteria provided, single submitter. Criteria: Ambry Variant Classification Scheme 2023. Collection method: clinical testing. Allele origin: germline.